The following is an entry in ClinVar:

ClinVar aggregate classification (germline): Likely benign (1 of 4 stars; one submission).

Allele frequency attached by ClinVar (database versions not stated): 1000 Genomes Project 30x 0.00016; 1000 Genomes Project 0.00020; ESP Exome Variant Server 0.00092; TOPMed 0.00094; gnomAD 0.00168; gnomAD exomes 0.00210; ExAC 0.00215.
gnomAD v4.1: 3,267 of 1,613,446 alleles (0.2%); highest among the groups gnomAD compares: Non-Finnish European, 0.22%; 24 homozygotes.

Submission:

CeGaT Center for Human Genetics Tuebingen
Classification: Likely benign. Last evaluated: 2023-08-01. Review status: criteria provided, single submitter. Criteria: CeGaT Center For Human Genetics Tuebingen Variant Classification Criteria Version 2. Collection method: clinical testing. Allele origin: germline. Affected: yes. Observed: 1 variant allele.
Comment: ZNF277: BP4, BP7, BS2

NM_021994.3(ZNF277):c.495A>G (p.Glu165=)

Gene: ZNF277 (zinc finger protein 277; plus strand). Cytogenetic location: 7q31.1.
Variant type: single nucleotide variant.
Coding change: c.495A>G on transcript NM_021994.3 (MANE Select); coding-DNA position 495, A replaced by G.
Protein change: p.Glu165=; no amino-acid change (glutamic acid 165 retained).
Molecular consequence: synonymous variant.
Genome position (GRCh38, 1-based): chr7:112,318,211, A>G. VCF-style: chr7-112318211-A-G. GRCh37 (hg19) VCF-style: chr7-111958266-A-G.
Identifiers: ClinVar variation 2657948 (VCV002657948.24), dbSNP rs138489628, ClinGen allele CA4443137.
Genomic context (GRCh38, chr7:112,318,211, plus strand): 5'-ATAATACCATAAATCTGTTTCTACTTTCCAGAGAGAAATTCTGGAACAACAGCAGCAAGA[A>G]CGAAATGATACCAATTTTCATGGCGTTTGTATGTTTTGCAATGAAGAATTCCTTGGAAAC-3'
Protein context (NP_068834.2, residues 155-175): LREILEQQQQ[Glu165=]RNDTNFHGVC